The following is an entry in ClinVar:

ClinVar aggregate classification (germline): Benign/Likely benign. Review status: criteria provided, multiple submitters, no conflicts (2 of 4 stars). 8 submissions from 8 submitters: Benign (6); Likely benign (2). Last evaluated 2026-02-01.

Conditions:
ALG8 congenital disorder of glycosylation. Also called: CONGENITAL DISORDER OF GLYCOSYLATION, TYPE Ih; CDG Ih; ALG8-CDG. Identifiers: Orphanet 79325, MedGen C2931002, MONDO:0011969, OMIM 608104.

Allele frequency attached by ClinVar (database versions not stated): gnomAD exomes 0.02247 and 0.02916; ExAC 0.02437; 1000 Genomes Project 30x 0.01046; gnomAD 0.02180 and 0.02096; TOPMed 0.02224; 1000 Genomes Project 0.00958; ESP Exome Variant Server 0.02586.
gnomAD v4.1: 42,707 of 1,505,436 alleles (2.8%); highest among the groups gnomAD compares: Non-Finnish European, 3.4%; 708 homozygotes.

Submissions (8):

Labcorp Genetics (formerly Invitae), Labcorp
Classification: Benign for ALG8 congenital disorder of glycosylation. Last evaluated: 2026-02-01. Review status: criteria provided, single submitter. Criteria: Invitae Variant Classification Sherloc (09022015). Collection method: clinical testing. Allele origin: germline.

Mayo Clinic Laboratories, Mayo Clinic
Classification: Benign. Last evaluated: 2022-11-15. Review status: criteria provided, single submitter. Criteria: ACMG Guidelines, 2015. Collection method: clinical testing. Allele origin: germline. Observed: 21 variant alleles.
Comment: BS1, BS2

GeneDx
Classification: Benign. Last evaluated: 2021-09-30. Review status: criteria provided, single submitter. Criteria: GeneDx Variant Classification Process June 2021. Collection method: clinical testing. Allele origin: germline. Affected: yes.

Illumina Laboratory Services, Illumina
Classification: Benign for ALG8 congenital disorder of glycosylation. Last evaluated: 2018-01-13. Review status: criteria provided, single submitter. Criteria: ICSL Variant Classification Criteria 13 December 2019. Collection method: clinical testing. Allele origin: germline.
Comment: This variant was observed in the ICSL laboratory as part of a predisposition screen in an ostensibly healthy population. It had not been previously curated by ICSL or reported in the Human Gene Mutation Database (HGMD: prior to June 1st, 2018), and was therefore a candidate for classification through an automated scoring system. Utilizing variant allele frequency, disease prevalence and penetrance estimates, and inheritance mode, an automated score was calculated to assess if this variant is too frequent to cause the disease. Based on the score and internal cut-off values, a variant classified as benign is not then subjected to further curation. The score for this variant resulted in a classification of benign for this disease.

Genomic Diagnostic Laboratory, Division of Genomic Diagnostics, Children's Hospital of Philadelphia
Classification: Benign. Last evaluated: 2015-02-19. Review status: criteria provided, single submitter. Criteria: DGD Variant Analysis Guidelines. Collection method: clinical testing. Allele origin: unknown.

Eurofins Ntd Llc (ga)
Classification: Benign. Last evaluated: 2014-04-08. Review status: criteria provided, single submitter. Criteria: EGL Classification Definitions 2015. Collection method: clinical testing. Allele origin: germline. Observed: 1 variant allele, 1 heterozygote.

Breakthrough Genomics
Classification: Likely benign. Review status: criteria provided, single submitter. Criteria: ACMG Guidelines, 2015. Collection method: not provided. Allele origin: germline. Inheritance: Autosomal recessive inheritance. Affected: yes.

PreventionGenetics, part of Exact Sciences
Classification: Likely benign. Review status: criteria provided, single submitter. Criteria: ACMG Guidelines, 2015. Collection method: clinical testing. Allele origin: germline.

NM_024079.5(ALG8):c.1316T>C (p.Ile439Thr)

Gene: ALG8 (ALG8 alpha-1,3-glucosyltransferase; minus strand). Cytogenetic location: 11q14.1.
Variant type: single nucleotide variant.
Coding change: c.1316T>C on transcript NM_024079.5 (MANE Select); coding-DNA position 1316, T replaced by C.
Protein change: p.Ile439Thr; replaces isoleucine 439 with threonine.
Molecular consequence: missense variant.
Genome position (GRCh38, 1-based): chr11:78,104,013, A>G on the plus strand (T>C on the coding strand, the complement: ALG8 is on the minus strand). VCF-style: chr11-78104013-A-G. GRCh37 (hg19) VCF-style: chr11-77815059-A-G.
Other names: c.1316T>C, p.Ile439Thr (NM_001007027.3); short protein forms I439T.
Identifiers: ClinVar variation 166677 (VCV000166677.23), dbSNP rs17825668, ClinGen allele CA248774.